The following is an entry in ClinVar:

ClinVar aggregate classification (germline): Pathogenic (1 of 4 stars; one submission).

Conditions:
Neurofibromatosis, type 1 (NF1). Also called: Peripheral type neurofibromatosis; VON RECKLINGHAUSEN DISEASE; NEUROFIBROMATOSIS, TYPE I, SOMATIC; Neurofibromatosis, type I. Identifiers: Orphanet 636, MedGen C0027831, MONDO:0018975, OMIM 162200. Disease mechanism: loss of function.

Submission:

Labcorp Genetics (formerly Invitae), Labcorp
Classification: Pathogenic for Neurofibromatosis, type 1. Last evaluated: 2021-11-25. Review status: criteria provided, single submitter. Criteria: Invitae Variant Classification Sherloc (09022015). Collection method: clinical testing. Allele origin: germline.
Comment: For these reasons, this variant has been classified as Pathogenic. This variant disrupts a region of the NF1 protein in which other variant(s) (p.Asp1623Gly) have been determined to be pathogenic (PMID: 23913538; Invitae). This suggests that this is a clinically significant region of the protein, and that variants that disrupt it are likely to be disease-causing. This variant has not been reported in the literature in individuals affected with NF1-related conditions. This variant is a gross deletion of the genomic region encompassing exon(s) 36-37 of the NF1 gene. This variant would be expected to be in-frame, preserving the integrity of the reading frame.

Literature cited by the submitters: PubMed 23913538.

NC_000017.10:g.(?_29622027)_(29654877_?)del

Genes: EVI2A (ecotropic viral integration site 2A; minus strand), EVI2B (ecotropic viral integration site 2B; minus strand), NF1 (neurofibromin 1; plus strand), OMG (oligodendrocyte myelin glycoprotein; minus strand). Cytogenetic location: 17q11.2.
Variant type: Deletion.
Identifiers: ClinVar variation 2422725 (VCV002422725.4).